The following is an entry in ClinVar:

NM_001130438.3(SPTAN1):c.7108G>C (p.Gly2370Arg)

Gene: SPTAN1 (spectrin alpha, non-erythrocytic 1; plus strand). Cytogenetic location: 9q34.11.
Variant type: single nucleotide variant.
Coding change: c.7108G>C on transcript NM_001130438.3 (MANE Select); coding-DNA position 7108, G replaced by C.
Protein change: p.Gly2370Arg; replaces glycine 2370 with arginine.
Molecular consequence: missense variant.
Genome position (GRCh38, 1-based): chr9:128,632,666, G>C. VCF-style: chr9-128632666-G-C. GRCh37 (hg19) VCF-style: chr9-131394945-G-C.
Other names: c.7033G>C, p.Gly2345Arg (NM_001195532.2); c.7171G>C, p.Gly2391Arg (NM_001363759.2); c.7048G>C, p.Gly2350Arg (NM_001363765.2, NM_001375314.2); c.7195G>C, p.Gly2399Arg (NM_001375310.1); c.7108G>C, p.Gly2370Arg (NM_001375311.2); c.7144G>C, p.Gly2382Arg (NM_001375312.2); c.7090G>C, p.Gly2364Arg (NM_001375313.1); c.7207G>C, p.Gly2403Arg (NM_001375318.1); and 1 more; short protein forms G2345R, G2350R, G2364R, G2365R, G2370R, G2382R, G2391R, G2399R.
Identifiers: ClinVar variation 1054858 (VCV001054858.11), dbSNP rs1257414255, ClinGen allele CA375100836.

ClinVar aggregate classification (germline): Uncertain significance. Review status: criteria provided, multiple submitters, no conflicts (2 of 4 stars). 2 submissions from 2 submitters: Uncertain significance (2). Last evaluated 2022-07-06.

Conditions:
Early-infantile DEE. Also called: Early infantile epileptic encephalopathy with suppression bursts; Ohtahara syndrome; Early infantile epileptic encephalopathy. Identifiers: Orphanet 1934, MedGen C0393706, MONDO:0800491.

gnomAD v4.1: 15 of 1,614,042 alleles (0.00093%); highest among the groups gnomAD compares: Non-Finnish European, 0.0012%; no homozygotes.

Submissions (2):

Labcorp Genetics (formerly Invitae), Labcorp
Classification: Uncertain significance for Early-infantile DEE. Last evaluated: 2022-07-06. Review status: criteria provided, single submitter. Criteria: Invitae Variant Classification Sherloc (09022015). Collection method: clinical testing. Allele origin: germline.
Comment: This variant has not been reported in the literature in individuals affected with SPTAN1-related conditions. This variant is not present in population databases (gnomAD no frequency). This sequence change replaces glycine, which is neutral and non-polar, with arginine, which is basic and polar, at codon 2370 of the SPTAN1 protein (p.Gly2370Arg). ClinVar contains an entry for this variant (Variation ID: 1054858). Algorithms developed to predict the effect of missense changes on protein structure and function are either unavailable or do not agree on the potential impact of this missense change (SIFT: "Deleterious"; PolyPhen-2: "Benign"; Align-GVGD: "Class C65"). In summary, the available evidence is currently insufficient to determine the role of this variant in disease. Therefore, it has been classified as a Variant of Uncertain Significance.

Blueprint Genetics
Classification: Uncertain significance. Last evaluated: 2020-02-17. Review status: criteria provided, single submitter. Criteria: ACMG Guidelines, 2015. Collection method: clinical testing. Allele origin: germline.